The following is an entry in ClinVar:

ClinVar aggregate classification (germline): Pathogenic. Review status: criteria provided, multiple submitters, no conflicts (2 of 4 stars). 2 submissions from 2 submitters: Pathogenic (2). Last evaluated 2024-10-02.

Conditions:
3-methylcrotonyl-CoA carboxylase 1 deficiency (MCC1D). Also called: MCCD TYPE 1; METHYLCROTONYLGLYCINURIA TYPE I; MCC 1 deficiency; 3 Alpha methylcrotonylglycinuria 1. Identifiers: Orphanet 6, MedGen CN028786, MONDO:0008861, OMIM 210200.

Allele frequency attached by ClinVar (database versions not stated): gnomAD exomes below 0.00001; ExAC 0.00001.
gnomAD v4.1: 3 of 1,614,192 alleles (0.00019%); highest among the groups gnomAD compares: Non-Finnish European, 0.00025%; no homozygotes.

Submissions (2):

Labcorp Genetics (formerly Invitae), Labcorp
Classification: Pathogenic for 3-methylcrotonyl-CoA carboxylase 1 deficiency. Last evaluated: 2024-10-02. Review status: criteria provided, single submitter. Criteria: Invitae Variant Classification Sherloc (09022015). Collection method: clinical testing. Allele origin: germline.
Comment: This sequence change creates a premature translational stop signal (p.Gln225*) in the MCCC1 gene. It is expected to result in an absent or disrupted protein product. Loss-of-function variants in MCCC1 are known to be pathogenic (PMID: 11181649, 15359379, 22642865). This variant is present in population databases (rs779412317, gnomAD 0.0009%). This variant has not been reported in the literature in individuals affected with MCCC1-related conditions. ClinVar contains an entry for this variant (Variation ID: 654147). For these reasons, this variant has been classified as Pathogenic.

Baylor Genetics
Classification: Pathogenic for 3-methylcrotonyl-CoA carboxylase 1 deficiency. Last evaluated: 2023-04-13. Review status: criteria provided, single submitter. Criteria: ACMG Guidelines, 2015. Collection method: clinical testing. Allele origin: unknown.

Literature cited by the submitters: PubMed 11181649 (cited by Labcorp Genetics (formerly Invitae), Labcorp); PubMed 15359379 (cited by Labcorp Genetics (formerly Invitae), Labcorp); PubMed 22642865 (cited by Labcorp Genetics (formerly Invitae), Labcorp).

NM_020166.5(MCCC1):c.673C>T (p.Gln225Ter)

Gene: MCCC1 (methylcrotonyl-CoA carboxylase subunit 1; minus strand). Cytogenetic location: 3q27.1.
Variant type: single nucleotide variant.
Coding change: c.673C>T on transcript NM_020166.5 (MANE Select); coding-DNA position 673, C replaced by T.
Protein change: p.Gln225Ter; replaces glutamine 225 with a stop codon.
Molecular consequence: nonsense. On other transcripts: non-coding transcript variant (2).
Genome position (GRCh38, 1-based): chr3:183,071,087, G>A on the plus strand (C>T on the coding strand, the complement: MCCC1 is on the minus strand). VCF-style: chr3-183071087-G-A. GRCh37 (hg19) VCF-style: chr3-182788875-G-A.
Other names: c.322C>T, p.Gln108Ter (NM_001293273.2); c.346C>T, p.Gln116Ter (NM_001363880.1); short protein forms Q108*, Q116*, Q225*.
Identifiers: ClinVar variation 654147 (VCV000654147.7), dbSNP rs779412317, ClinGen allele CA2718999.
Genomic context (GRCh38, chr3:183,071,087, plus strand): 5'-GCATAGCATCATCATTGAAAGACTTCTTAGCTTCTCTCCGTGCTGACTCTAACTGTTCTT[G>A]AAATTCTTGTTCTGATCTAACAATCCTCATTCCCTAAGAGAGAAAAGATGATTATGACTA-3'